The following is an entry in ClinVar:

ClinVar aggregate classification (germline): Likely benign. Review status: criteria provided, multiple submitters, no conflicts (2 of 4 stars). 2 submissions from 2 submitters: Likely benign (2). Last evaluated 2025-06-01.

Conditions:
KBG syndrome (KBGS). Also called: ANKRD11-Related KBG Syndrome. Identifiers: Orphanet 2332, MedGen C0220687, MONDO:0007846, OMIM 148050.

gnomAD v4.1: 3 of 1,613,608 alleles (0.00019%); highest among the groups gnomAD compares: Middle Eastern, 0.016%; no homozygotes.

Submissions (2):

CeGaT Center for Human Genetics Tuebingen
Classification: Likely benign. Last evaluated: 2025-06-01. Review status: criteria provided, single submitter. Criteria: CeGaT Center For Human Genetics Tuebingen Variant Classification Criteria Version 2. Collection method: clinical testing. Allele origin: germline. Affected: yes. Observed: 1 variant allele.
Comment: ANKRD11: BP4, BP7

Labcorp Genetics (formerly Invitae), Labcorp
Classification: Likely benign for KBG syndrome. Last evaluated: 2025-05-13. Review status: criteria provided, single submitter. Criteria: Invitae Variant Classification Sherloc (09022015). Collection method: clinical testing. Allele origin: germline.

NM_013275.6(ANKRD11):c.4515G>A (p.Arg1505=)

Gene: ANKRD11 (ankyrin repeat domain 11; minus strand). Cytogenetic location: 16q24.3.
Variant type: single nucleotide variant.
Coding change: c.4515G>A on transcript NM_013275.6 (MANE Select); coding-DNA position 4515, G replaced by A.
Protein change: p.Arg1505=; no amino-acid change (arginine 1505 retained).
Molecular consequence: synonymous variant.
Genome position (GRCh38, 1-based): chr16:89,282,027, C>T on the plus strand (G>A on the coding strand, the complement: ANKRD11 is on the minus strand). VCF-style: chr16-89282027-C-T. GRCh37 (hg19) VCF-style: chr16-89348435-C-T.
Other names: c.4515G>A, p.Arg1505= (NM_001256182.2, NM_001256183.2).
Identifiers: ClinVar variation 3905192 (VCV003905192.11).
Genomic context (GRCh38, chr16:89,282,027, plus strand): 5'-GAGCCTCGGGCCCTCGTCCCTGGACTTGTCTTTGAGCACGCGGGGCGGGCTGTCCTTGTC[C>T]CTGGTGGCGGGCTTCTGCTCGTCCCTGTGATGCCGCAGGAGCTCGTCCCTGTGATGCCGC-3'
Protein context (NP_037407.4, residues 1495-1515): HHRDEQKPAT[Arg1505=]DKDSPPRVLK